The following is an entry in ClinVar:

ClinVar aggregate classification (germline): Uncertain significance (1 of 4 stars; one submission).

Conditions:
Glycine encephalopathy. Also called: Nonketotic hyperglycinemia; Non-ketotic hyperglycinemia. Identifiers: Orphanet 407, MedGen C0751748, MONDO:0011612, HP:0008288.

Submission:

Labcorp Genetics (formerly Invitae), Labcorp
Classification: Uncertain significance for Glycine encephalopathy. Last evaluated: 2024-10-29. Review status: criteria provided, single submitter. Criteria: Invitae Variant Classification Sherloc (09022015). Collection method: clinical testing. Allele origin: germline.
Comment: This sequence change falls in intron 22 of the GLDC gene. It does not directly change the encoded amino acid sequence of the GLDC protein. It affects a nucleotide within the consensus splice site. This variant is not present in population databases (gnomAD no frequency). This variant has not been reported in the literature in individuals affected with GLDC-related conditions. ClinVar contains an entry for this variant (Variation ID: 2197645). Variants that disrupt the consensus splice site are a relatively common cause of aberrant splicing (PMID: 17576681, 9536098). Algorithms developed to predict the effect of sequence changes on RNA splicing suggest that this variant is not likely to affect RNA splicing. In summary, the available evidence is currently insufficient to determine the role of this variant in disease. Therefore, it has been classified as a Variant of Uncertain Significance.

Literature cited by the submitters: PubMed 17576681; PubMed 9536098.

NM_000170.3(GLDC):c.2665+4A>C

Gene: GLDC (glycine decarboxylase; minus strand). Cytogenetic location: 9p24.1.
Variant type: single nucleotide variant.
Coding change: c.2665+4A>C on transcript NM_000170.3 (MANE Select); 4 bases into the intron after coding-DNA position 2665, A replaced by C.
Molecular consequence: intron variant.
Genome position (GRCh38, 1-based): chr9:6,540,047, T>G on the plus strand (A>C on the coding strand, the complement: GLDC is on the minus strand). VCF-style: chr9-6540047-T-G. GRCh37 (hg19) VCF-style: chr9-6540047-T-G.
Identifiers: ClinVar variation 2197645 (VCV002197645.3), dbSNP rs1381648526, ClinGen allele CA865764619.